The following is an entry in ClinVar:

ClinVar aggregate classification (germline): Likely pathogenic (1 of 4 stars; one submission).

Conditions:
Familial intrahepatic cholestasis. Identifiers: Orphanet 284385, MedGen CN296401, MONDO:0017290.

Submission:

Genomenon, Inc
Classification: Likely pathogenic for Familial intrahepatic cholestasis. Last evaluated: 2026-04-14. Review status: criteria provided, single submitter. Criteria: Genomenon Sequence Variant Interpretation Standards - Updated. Collection method: curation. Allele origin: germline. Affected: yes.
Comment: ABCB4 p.Asn510Thr (c.1529A>C) is a missense variant that changes the amino acid at residue 510 from Asparagine to Threonine. This variant has been observed in at least one proband with an ABCB4-related disorder (PMID:37701337). The variant was found to segregate with disease in at least one affected family (PMID:37701337). The presence of pathogenic/likely pathogenic missense variant(s) at the same amino acid position indicates that this residue is likely important for protein function. It is absent or not present at a significant frequency in gnomAD. In silico models predict that this variant is possibly or probably damaging. In conclusion, we classify ABCB4 p.Asn510Thr (c.1529A>C) as a likely pathogenic variant.

Literature cited by the submitters: PubMed 37701337.

NM_000443.4(ABCB4):c.1529A>C (p.Asn510Thr)

Gene: ABCB4 (ATP binding cassette subfamily B member 4; minus strand). Cytogenetic location: 7q21.12.
Variant type: single nucleotide variant.
Coding change: c.1529A>C on transcript NM_000443.4 (MANE Select); coding-DNA position 1529, A replaced by C.
Protein change: p.Asn510Thr; replaces asparagine 510 with threonine.
Molecular consequence: missense variant.
Genome position (GRCh38, 1-based): chr7:87,440,230, T>G on the plus strand (A>C on the coding strand, the complement: ABCB4 is on the minus strand). VCF-style: chr7-87440230-T-G. GRCh37 (hg19) VCF-style: chr7-87069546-T-G.
Other names: c.1529A>C, p.Asn510Thr (NM_018849.3, NM_018850.3); short protein forms N510T.
Identifiers: ClinVar variation 4846566 (VCV004846566.1).